The following is an entry in ClinVar:

NM_000540.3(RYR1):c.11260-7T>G

Gene: RYR1 (ryanodine receptor 1; plus strand). Cytogenetic location: 19q13.2.
Variant type: single nucleotide variant.
Coding change: c.11260-7T>G on transcript NM_000540.3 (MANE Select); 7 bases into the intron before coding-DNA position 11260, T replaced by G.
Molecular consequence: intron variant.
Genome position (GRCh38, 1-based): chr19:38,534,713, T>G. VCF-style: chr19-38534713-T-G. GRCh37 (hg19) VCF-style: chr19-39025353-T-G.
Other names: c.11245-7T>G (NM_001042723.2); c.11260-7T>G (NM_000540.2).
Identifiers: ClinVar variation 1040444 (VCV001040444.8), dbSNP rs1330899688, ClinGen allele CA632867304.
Genomic context (GRCh38, chr19:38,534,713, plus strand): 5'-AATGTGAGGGGGAAAGGCTGGGCTGGAAAGCCTGGACTTGCCTTCATGTGTCTGCCTCCC[T>G]TCCCAGGAGAAACAGATGGAGAAGCAGAGGCTCTTGTACCAGCAAGCACGGCTGCACACC-3'

ClinVar aggregate classification (germline): Conflicting classifications of pathogenicity. Review status: criteria provided, conflicting classifications (1 of 4 stars). 3 submissions from 3 submitters: Uncertain significance (1); Likely benign (2). Last evaluated 2025-11-26.

Conditions:
RYR1-related disorder. Also called: RYR1-related condition; RYR1-related disorders. Identifiers: MedGen CN239331.
Malignant hyperthermia, susceptibility to, 1 (MHS1). Also called: RYR1-Related Malignant Hyperthermia Susceptibility; Anesthesia related hyperthermia; Malignant hyperpyrexia; Fulminating hyperpyrexia; Pharmacogenic myopathy; Malignant hyperthermia suceptibility 1. Identifiers: Orphanet 423, MedGen C2930980, MONDO:0007783, OMIM 145600.

Allele frequency attached by ClinVar (database versions not stated): gnomAD exomes below 0.00001 and 0.00001; TOPMed below 0.00001; gnomAD 0.00001.
gnomAD v4.1: 3 of 1,613,122 alleles (0.00019%); highest among the groups gnomAD compares: Admixed American, 0.0017%; no homozygotes.

Submissions (3):

PreventionGenetics, part of Exact Sciences
Classification: Likely benign for RYR1-related condition. Last evaluated: 2025-11-26. Review status: criteria provided, single submitter. Criteria: ACMG Guidelines, 2015. Collection method: clinical testing. Allele origin: germline.
Comment: This variant is classified as likely benign based on ACMG/AMP sequence variant interpretation guidelines (Richards et al. 2015 PMID: 25741868, with internal and published modifications).

Labcorp Genetics (formerly Invitae), Labcorp
Classification: Likely benign for RYR1-related disorder. Last evaluated: 2023-12-11. Review status: criteria provided, single submitter. Criteria: Invitae Variant Classification Sherloc (09022015). Collection method: clinical testing. Allele origin: germline.

All of Us Research Program, National Institutes of Health
Classification: Uncertain significance for Malignant hyperthermia, susceptibility to, 1. Last evaluated: 2023-04-10. Review status: criteria provided, single submitter. Criteria: ACMG Guidelines, 2015. Collection method: clinical testing. Allele origin: germline. Inheritance: Autosomal dominant inheritance. Observed: 1 variant allele, 1 heterozygote.
Comment: This variant causes a T to G nucleotide substitution at the -7 position of intron 78 of the RYR1 gene. To our knowledge, functional studies have not been reported for this variant. This variant has not been reported in individuals affected with RYR1-related disorders in the literature. This variant has been identified in 3/281234 chromosomes in the general population by the Genome Aggregation Database (gnomAD). The available evidence is insufficient to determine the role of this variant in disease conclusively. Therefore, this variant is classified as a Variant of Uncertain Significance.

This study involves interpretation of variants in research participants for the purpose of population health screening. Participant phenotype was not available at the time of variant classification. Additional details can be found in publication PMID: 35346344, PMCID: PMC8962531